The following is an entry in ClinVar:

ClinVar aggregate classification (germline): Conflicting classifications of pathogenicity. Review status: criteria provided, conflicting classifications (1 of 4 stars). 4 submissions from 4 submitters: Uncertain significance (3); Likely benign (1). Last evaluated 2025-04-07.

Conditions:
Hereditary cancer-predisposing syndrome. Also called: Tumor predisposition; Hereditary Cancer Syndrome; Hereditary neoplastic syndrome; Neoplastic Syndromes, Hereditary. Identifiers: Orphanet 140162, MedGen C0027672, MeSH D009386, MONDO:0015356.
Hereditary breast ovarian cancer syndrome. Also called: Hereditary breast and ovarian cancer; BRCA1- and BRCA2-Associated Hereditary Breast and Ovarian Cancer; Hereditary breast and ovarian cancer syndrome; Hereditary breast and ovarian cancer syndrome (HBOC); Breast and ovarian cancer; Hereditary breast and/or ovarian cancer syndrome. Identifiers: Orphanet 145, MedGen C0677776, MeSH D061325, MONDO:0003582. Disease mechanism: loss of function.

gnomAD v4.1: 3 of 1,614,106 alleles (0.00019%); highest among the groups gnomAD compares: South Asian, 0.0022%; no homozygotes.

Submissions (4):

Labcorp Genetics (formerly Invitae), Labcorp
Classification: Uncertain significance for Hereditary breast ovarian cancer syndrome. Last evaluated: 2025-04-07. Review status: criteria provided, single submitter. Criteria: Invitae Variant Classification Sherloc (09022015). Collection method: clinical testing. Allele origin: germline.
Comment: This sequence change replaces histidine, which is basic and polar, with arginine, which is basic and polar, at codon 285 of the BRCA1 protein (p.His285Arg). This variant is not present in population databases (gnomAD no frequency). This variant has not been reported in the literature in individuals affected with BRCA1-related conditions. ClinVar contains an entry for this variant (Variation ID: 1479741). Invitae Evidence Modeling of protein sequence and biophysical properties (such as structural, functional, and spatial information, amino acid conservation, physicochemical variation, residue mobility, and thermodynamic stability) indicates that this missense variant is not expected to disrupt BRCA1 protein function with a negative predictive value of 80%. RNA analysis performed to evaluate the impact of this missense change on mRNA splicing indicates it does not significantly alter splicing (PMID: 18273839; internal data). In summary, the available evidence is currently insufficient to determine the role of this variant in disease. Therefore, it has been classified as a Variant of Uncertain Significance.

Women's Health and Genetics/Laboratory Corporation of America, LabCorp
Classification: Uncertain significance. Last evaluated: 2023-11-30. Review status: criteria provided, single submitter. Criteria: LabCorp Variant Classification Summary - May 2015. Collection method: clinical testing. Allele origin: germline.
Comment: Variant summary: BRCA1 c.854A>G (p.His285Arg) results in a non-conservative amino acid change in the encoded protein sequence. Four of five in-silico tools predict a benign effect of the variant on protein function. The variant was absent in 251140 control chromosomes (gnomAD). The available data on variant occurrences in the general population are insufficient to allow any conclusion about variant significance. c.854A>G has been reported in the literature as a VUS detected in a French breast/ovarian cancer family, however no further details were provided (Anczukow_2008). This report does not provide unequivocal conclusions about association of the variant with Hereditary Breast And Ovarian Cancer Syndrome. To our knowledge, no experimental evidence demonstrating an impact on protein function has been reported. The following publication has been ascertained in the context of this evaluation (PMID: 18273839). Three submitters have cited clinical-significance assessments for this variant to ClinVar after 2014. Based on the evidence outlined above, the variant was classified as uncertain significance.

University of Washington Department of Laboratory Medicine, University of Washington
Classification: Likely benign for Hereditary cancer-predisposing syndrome. Last evaluated: 2023-03-23. Review status: criteria provided, single submitter. Criteria: Dines et al. (Genet Med. 2020). Collection method: curation. Allele origin: germline.
Comment: Missense variant in a coldspot region where missense variants are very unlikely to be pathogenic (PMID:31911673).

BRCA1 coldspot (exon 11 using historical exon numbering). Reclassification based on statistical prior probability

Ambry Genetics
Classification: Uncertain significance for Hereditary cancer-predisposing syndrome. Last evaluated: 2021-06-21. Review status: criteria provided, single submitter. Criteria: Ambry Variant Classification Scheme 2023. Collection method: clinical testing. Allele origin: germline.
Comment: The p.H285R variant (also known as c.854A>G), located in coding exon 9 of the BRCA1 gene, results from an A to G substitution at nucleotide position 854. The histidine at codon 285 is replaced by arginine, an amino acid with highly similar properties. This amino acid position is not well conserved in available vertebrate species. In addition, the in silico prediction for this alteration is inconclusive. Since supporting evidence is limited at this time, the clinical significance of this alteration remains unclear.

Literature cited by the submitters: PubMed 18273839 (cited by 3 submitters); PubMed 26822237 (cited by Ambry Genetics).

NM_007294.4(BRCA1):c.854A>G (p.His285Arg)

Gene: BRCA1 (BRCA1 DNA repair associated; minus strand). Cytogenetic location: 17q21.31.
Variant type: single nucleotide variant.
Coding change: c.854A>G on transcript NM_007294.4 (MANE Select); coding-DNA position 854, A replaced by G.
Protein change: p.His285Arg; replaces histidine 285 with arginine.
Molecular consequence: missense variant. On other transcripts: intron variant (137), 5 prime UTR variant (2).
Genome position (GRCh38, 1-based): chr17:43,094,677, T>C on the plus strand (A>G on the coding strand, the complement: BRCA1 is on the minus strand). VCF-style: chr17-43094677-T-C. GRCh37 (hg19) VCF-style: chr17-41246694-T-C.
Other names: c.713A>G, p.His238Arg (NM_007297.4, NM_001407692.1, NM_001407694.1 and 29 more transcripts); c.854A>G, p.His285Arg (NM_007300.4, NM_001407581.1, NM_001407582.1 and 30 more transcripts); c.646+67A>G (NM_001408458.1, NM_001408469.1, NM_001408453.1 and 11 more transcripts); c.283+67A>G (NM_001408512.1); c.406+67A>G (NM_001408510.1); c.643+67A>G (NM_001408470.1, NM_001408464.1, NM_001408468.1 and 3 more transcripts); c.784+67A>G (NM_001408397.1, NM_001408401.1, NM_001408396.1 and 13 more transcripts); c.664+67A>G (NM_001408436.1, NM_001408444.1, NM_001408438.1 and 12 more transcripts); and 40 more; short protein forms H238R, H285R, H117R, H217R, H237R, H173R, H215R, H218R.
Identifiers: ClinVar variation 1479741 (VCV001479741.14), dbSNP rs2154489161, ClinGen allele CA10600375.